The following is an entry in ClinVar:

NM_002691.4(POLD1):c.1874G>A (p.Gly625Glu)

Gene: POLD1 (DNA polymerase delta 1, catalytic subunit; plus strand). Cytogenetic location: 19q13.33.
Variant type: single nucleotide variant.
Coding change: c.1874G>A on transcript NM_002691.4 (MANE Select); coding-DNA position 1874, G replaced by A.
Protein change: p.Gly625Glu; replaces glycine 625 with glutamic acid.
Molecular consequence: missense variant. On other transcripts: non-coding transcript variant (1).
Genome position (GRCh38, 1-based): chr19:50,408,883, G>A. VCF-style: chr19-50408883-G-A. GRCh37 (hg19) VCF-style: chr19-50912140-G-A.
Other names: c.1874G>A, p.Gly625Glu (NM_001256849.1); c.1952G>A, p.Gly651Glu (NM_001308632.1); short protein forms G651E, G625E.
Identifiers: ClinVar variation 1962902 (VCV001962902.5), dbSNP rs1568630394, ClinGen allele CA406982134.
Genomic context (GRCh38, chr19:50,408,883, plus strand): 5'-CGCTGTACCCGTCCATCATGATGGCCCACAACCTGTGTTACACCACGCTCCTTCGGCCCG[G>A]GACTGCACAGAAACTGGGGTATAGTGCCCAATTCAGCATGTGTCCCCCGAGGCCCATCTG-3'
Protein context (NP_002682.2, residues 615-635): NLCYTTLLRP[Gly625Glu]TAQKLGLTED

ClinVar aggregate classification (germline): Uncertain significance (1 of 4 stars; one submission).

Conditions:
POLD1-related polyposis and colorectal cancer syndrome (CRCS10). Also called: Colorectal cancer 10; COLORECTAL CANCER, SUSCEPTIBILITY TO, ON CHROMOSOME 19q; Colorectal cancer, susceptibility to, 10. Identifiers: Orphanet 220460, MedGen C2675481, MONDO:0012953, OMIM 612591.

Submission:

Labcorp Genetics (formerly Invitae), Labcorp
Classification: Uncertain significance for POLD1-related polyposis and colorectal cancer syndrome. Last evaluated: 2022-04-22. Review status: criteria provided, single submitter. Criteria: Invitae Variant Classification Sherloc (09022015). Collection method: clinical testing. Allele origin: germline.
Comment: In summary, the available evidence is currently insufficient to determine the role of this variant in disease. Therefore, it has been classified as a Variant of Uncertain Significance. Algorithms developed to predict the effect of missense changes on protein structure and function are either unavailable or do not agree on the potential impact of this missense change (SIFT: "Deleterious"; PolyPhen-2: "Possibly Damaging"; Align-GVGD: "Class C0"). This variant has not been reported in the literature in individuals affected with POLD1-related conditions. This variant is not present in population databases (gnomAD no frequency). This sequence change replaces glycine, which is neutral and non-polar, with glutamic acid, which is acidic and polar, at codon 625 of the POLD1 protein (p.Gly625Glu).